The following is an entry in ClinVar:

ClinVar aggregate classification (germline): Uncertain significance (1 of 4 stars; one submission).

Conditions:
Infantile-onset ascending hereditary spastic paralysis (IAHSP). Also called: Infantile-Onset Ascending Hereditary Spastic Paralysis (IAHSP); Autosomal Recessive Juvenile Amyotrophic Lateral Sclerosis. Identifiers: Orphanet 293168, MedGen C2931441, MONDO:0011797, OMIM 607225. Disease mechanism: loss of function.

Allele frequency attached by ClinVar (database versions not stated): gnomAD exomes below 0.00001.
gnomAD v4.1: 1 of 1,614,178 alleles (0.000062%); highest among the groups gnomAD compares: Non-Finnish European, 0.000085%; no homozygotes.

Submission:

Labcorp Genetics (formerly Invitae), Labcorp
Classification: Uncertain significance for Infantile-onset ascending hereditary spastic paralysis. Last evaluated: 2022-04-18. Review status: criteria provided, single submitter. Criteria: Invitae Variant Classification Sherloc (09022015). Collection method: clinical testing. Allele origin: germline.
Comment: In summary, the available evidence is currently insufficient to determine the role of this variant in disease. Therefore, it has been classified as a Variant of Uncertain Significance. Algorithms developed to predict the effect of missense changes on protein structure and function (SIFT, PolyPhen-2, Align-GVGD) all suggest that this variant is likely to be tolerated. This variant has not been reported in the literature in individuals affected with ALS2-related conditions. This variant is not present in population databases (gnomAD no frequency). This sequence change replaces leucine, which is neutral and non-polar, with proline, which is neutral and non-polar, at codon 649 of the ALS2 protein (p.Leu649Pro).

NM_020919.4(ALS2):c.1946T>C (p.Leu649Pro)

Gene: ALS2 (alsin Rho guanine nucleotide exchange factor ALS2; minus strand). Cytogenetic location: 2q33.1.
Variant type: single nucleotide variant.
Coding change: c.1946T>C on transcript NM_020919.4 (MANE Select); coding-DNA position 1946, T replaced by C.
Protein change: p.Leu649Pro; replaces leucine 649 with proline.
Molecular consequence: missense variant.
Genome position (GRCh38, 1-based): chr2:201,746,618, A>G on the plus strand (T>C on the coding strand, the complement: ALS2 is on the minus strand). VCF-style: chr2-201746618-A-G. GRCh37 (hg19) VCF-style: chr2-202611341-A-G.
Other names: c.1946T>C, p.Leu649Pro (NM_001410975.1); short protein forms L649P.
Identifiers: ClinVar variation 2127873 (VCV002127873.4), dbSNP rs2469861994, ClinGen allele CA350325386.
Genomic context (GRCh38, chr2:201,746,618, plus strand): 5'-CTGTTCACCTTACTACAGGAGAGAAGTACTGGAGTCTTAGAACCACTGTGATTCTCTGGA[A>G]GGTTGTCACCTTCTGTAGGGTCCTGTCGGCCACTGTAATATAACCCAGGCTGGAAGTCTT-3'
Protein context (NP_065970.2, residues 639-659): GRQDPTEGDN[Leu649Pro]PENHSGSKTP